The following is an entry in ClinVar:

NM_000465.4(BARD1):c.678T>C (p.Asp226=)

Gene: BARD1 (BRCA1 associated RING domain 1; minus strand). Cytogenetic location: 2q35.
Variant type: single nucleotide variant.
Coding change: c.678T>C on transcript NM_000465.4 (MANE Select); coding-DNA position 678, T replaced by C.
Protein change: p.Asp226=; no amino-acid change (aspartic acid 226 retained).
Molecular consequence: synonymous variant. On other transcripts: non-coding transcript variant (2), intron variant (3).
Genome position (GRCh38, 1-based): chr2:214,781,196, A>G on the plus strand (T>C on the coding strand, the complement: BARD1 is on the minus strand). VCF-style: chr2-214781196-A-G. GRCh37 (hg19) VCF-style: chr2-215645920-A-G.
Other names: c.621T>C, p.Asp207= (NM_001282543.2); c.158+28216T>C (NM_001282548.2); c.215+15865T>C (NM_001282545.2); c.364+11101T>C (NM_001282549.2).
Identifiers: ClinVar variation 757865 (VCV000757865.14), dbSNP rs1574820006, ClinGen allele CA431391445.

ClinVar aggregate classification (germline): Benign/Likely benign. Review status: criteria provided, multiple submitters, no conflicts (2 of 4 stars). 3 submissions from 3 submitters: Benign (1); Likely benign (2). Last evaluated 2025-06-01.

Conditions:
Hereditary cancer-predisposing syndrome. Also called: Hereditary Cancer Syndrome; Hereditary neoplastic syndrome; Neoplastic Syndromes, Hereditary; Tumor predisposition. Identifiers: Orphanet 140162, MedGen C0027672, MeSH D009386, MONDO:0015356.
Familial cancer of breast. Also called: hereditary breast carcinoma; BREAST CANCER, FAMILIAL; Hereditary breast cancer. Identifiers: Orphanet 227535, MedGen C0346153, MONDO:0016419, OMIM 114480. Disease mechanism: loss of function.

Submissions (3):

Labcorp Genetics (formerly Invitae), Labcorp
Classification: Likely benign for Familial cancer of breast. Last evaluated: 2025-06-01. Review status: criteria provided, single submitter. Criteria: Invitae Variant Classification Sherloc (09022015). Collection method: clinical testing. Allele origin: germline.

Myriad Genetics, Inc.
Classification: Benign for Familial cancer of breast. Last evaluated: 2024-07-22. Review status: criteria provided, single submitter. Criteria: Myriad Autosomal Dominant, Autosomal Recessive and X-Linked Classification Criteria (2023). Collection method: clinical testing. Allele origin: unknown.
Comment: This variant is considered benign. This variant is a silent/synonymous amino acid change and it is not expected to impact splicing.

Ambry Genetics
Classification: Likely benign for Hereditary cancer-predisposing syndrome. Last evaluated: 2019-08-20. Review status: criteria provided, single submitter. Criteria: Ambry Variant Classification Scheme 2023. Collection method: clinical testing. Allele origin: germline.